The following is an entry in ClinVar:

ClinVar aggregate classification (germline): Uncertain significance. Review status: criteria provided, multiple submitters, no conflicts (2 of 4 stars). 2 submissions from 2 submitters: Uncertain significance (2). Last evaluated 2024-12-22.

Conditions:
Hereditary cancer-predisposing syndrome. Also called: Tumor predisposition; Hereditary Cancer Syndrome; Neoplastic Syndromes, Hereditary; Hereditary neoplastic syndrome. Identifiers: Orphanet 140162, MedGen C0027672, MeSH D009386, MONDO:0015356.
Familial cancer of breast. Also called: Hereditary breast cancer; BREAST CANCER, FAMILIAL; hereditary breast carcinoma. Identifiers: Orphanet 227535, MedGen C0346153, MONDO:0016419, OMIM 114480. Disease mechanism: loss of function.
Fanconi anemia complementation group J. Also called: BRIP1-Related Fanconi Anemia. Identifiers: Orphanet 84, MedGen C1836860, MONDO:0012187, OMIM 609054.

Allele frequency attached by ClinVar (database versions not stated): gnomAD exomes below 0.00001.
gnomAD v4.1: 1 of 1,614,154 alleles (0.000062%); highest among the groups gnomAD compares: African/African-American, 0.0013%; no homozygotes.

Submissions (2):

Labcorp Genetics (formerly Invitae), Labcorp
Classification: Uncertain significance for Familial cancer of breast; Fanconi anemia complementation group J. Last evaluated: 2024-12-22. Review status: criteria provided, single submitter. Criteria: Invitae Variant Classification Sherloc (09022015). Collection method: clinical testing. Allele origin: germline.
Comment: This sequence change replaces aspartic acid, which is acidic and polar, with valine, which is neutral and non-polar, at codon 1100 of the BRIP1 protein (p.Asp1100Val). This variant is not present in population databases (gnomAD no frequency). This variant has not been reported in the literature in individuals affected with BRIP1-related conditions. ClinVar contains an entry for this variant (Variation ID: 219402). Invitae Evidence Modeling of protein sequence and biophysical properties (such as structural, functional, and spatial information, amino acid conservation, physicochemical variation, residue mobility, and thermodynamic stability) indicates that this missense variant is not expected to disrupt BRIP1 protein function with a negative predictive value of 95%. In summary, the available evidence is currently insufficient to determine the role of this variant in disease. Therefore, it has been classified as a Variant of Uncertain Significance.

Ambry Genetics
Classification: Uncertain significance for Hereditary cancer-predisposing syndrome. Last evaluated: 2024-03-21. Review status: criteria provided, single submitter. Criteria: Ambry Variant Classification Scheme 2023. Collection method: clinical testing. Allele origin: germline.
Comment: The p.D1100V variant (also known as c.3299A>T), located in coding exon 19 of the BRIP1 gene, results from an A to T substitution at nucleotide position 3299. The aspartic acid at codon 1100 is replaced by valine, an amino acid with highly dissimilar properties. This amino acid position is conserved. In addition, this alteration is predicted to be tolerated by in silico analysis. Based on the available evidence, the clinical significance of this alteration remains unclear.

NM_032043.3(BRIP1):c.3299A>T (p.Asp1100Val)

Gene: BRIP1 (BRCA1 interacting DNA helicase 1; minus strand). Cytogenetic location: 17q23.2.
Variant type: single nucleotide variant.
Coding change: c.3299A>T on transcript NM_032043.3 (MANE Select); coding-DNA position 3299, A replaced by T.
Protein change: p.Asp1100Val; replaces aspartic acid 1100 with valine.
Molecular consequence: missense variant.
Genome position (GRCh38, 1-based): chr17:61,683,747, T>A on the plus strand (A>T on the coding strand, the complement: BRIP1 is on the minus strand). VCF-style: chr17-61683747-T-A. GRCh37 (hg19) VCF-style: chr17-59761108-T-A.
Other names: short protein forms D1100V.
Identifiers: ClinVar variation 219402 (VCV000219402.10), dbSNP rs864622072, ClinGen allele CA348166.